The following is an entry in ClinVar:

ClinVar aggregate classification (germline): Likely benign. Review status: criteria provided, multiple submitters, no conflicts (2 of 4 stars). 3 submissions from 3 submitters: Likely benign (2). 1 of the submissions does not count toward it. Last evaluated 2025-12-29.

Conditions:
ADAMTS2-related disorder. Also called: ADAMTS2-related condition.
Ehlers-Danlos syndrome, dermatosparaxis type. Also called: Dermatosparaxis; EDS VIIC; Ehlers-Danlos syndrome, type VII, autosomal recessive. Identifiers: Orphanet 1901, MedGen C2700425, MONDO:0009161, OMIM 225410.

Allele frequency attached by ClinVar (database versions not stated): gnomAD exomes below 0.00001.
gnomAD v4.1: 1 of 1,610,144 alleles (0.000062%); highest among the groups gnomAD compares: Admixed American, 0.0017%; no homozygotes.

Submissions (3):

Labcorp Genetics (formerly Invitae), Labcorp
Classification: Likely benign for Ehlers-Danlos syndrome, dermatosparaxis type. Last evaluated: 2025-12-29. Review status: criteria provided, single submitter. Criteria: Invitae Variant Classification Sherloc (09022015). Collection method: clinical testing. Allele origin: germline.

Women's Health and Genetics/Laboratory Corporation of America, LabCorp
Classification: Likely benign. Last evaluated: 2023-08-08. Review status: criteria provided, single submitter. Criteria: LabCorp Variant Classification Summary - May 2015. Collection method: clinical testing. Allele origin: germline.

PreventionGenetics, part of Exact Sciences
Classification: Likely benign for ADAMTS2-related condition. Last evaluated: 2021-05-18. Review status: no assertion criteria provided. Collection method: clinical testing. Allele origin: germline. Not counted in ClinVar's aggregate classification.
Comment: This variant is classified as likely benign based on ACMG/AMP sequence variant interpretation guidelines (Richards et al. 2015 PMID: 25741868, with internal and published modifications).

NM_014244.5(ADAMTS2):c.672A>G (p.Pro224=)

Gene: ADAMTS2 (ADAM metallopeptidase with thrombospondin type 1 motif 2; minus strand). Cytogenetic location: 5q35.3.
Variant type: single nucleotide variant.
Coding change: c.672A>G on transcript NM_014244.5 (MANE Select); coding-DNA position 672, A replaced by G.
Protein change: p.Pro224=; no amino-acid change (proline 224 retained).
Molecular consequence: synonymous variant.
Genome position (GRCh38, 1-based): chr5:179,272,927, T>C on the plus strand (A>G on the coding strand, the complement: ADAMTS2 is on the minus strand). VCF-style: chr5-179272927-T-C. GRCh37 (hg19) VCF-style: chr5-178699928-T-C.
Other names: c.672A>G, p.Pro224= (NM_021599.4); c.672A>G (NM_014244.4).
Identifiers: ClinVar variation 1672516 (VCV001672516.11), dbSNP rs1386741882, ClinGen allele CA448033696.